The following is an entry in ClinVar:

ClinVar aggregate classification (germline): Uncertain significance. Review status: criteria provided, multiple submitters, no conflicts (2 of 4 stars). 3 submissions from 3 submitters: Uncertain significance (3). Last evaluated 2025-09-30.

Conditions:
Hereditary cancer-predisposing syndrome. Also called: Neoplastic Syndromes, Hereditary; Tumor predisposition; Hereditary Cancer Syndrome; Hereditary neoplastic syndrome. Identifiers: Orphanet 140162, MedGen C0027672, MeSH D009386, MONDO:0015356.
Retinoblastoma (RB1). Also called: RETINOBLASTOMA, SOMATIC. Identifiers: Orphanet 790, MedGen C0035335, MeSH D012175, MONDO:0008380, OMIM 180200, HP:0009919. Disease mechanism: loss of function. Inheritance: Both sporadic and heritable forms are tested..

Submissions (3):

Color Diagnostics, LLC DBA Color Health
Classification: Uncertain significance for Retinoblastoma. Last evaluated: 2025-09-30. Review status: criteria provided, single submitter. Criteria: ACMG Guidelines, 2015. Collection method: clinical testing. Allele origin: germline.
Comment: This missense variant replaces arginine with leucine at codon 552 of the RB1 protein. Computational prediction is inconclusive regarding the impact of this variant on protein structure and function. To our knowledge, functional studies have not been reported for this variant. This variant has not been reported in individuals affected with RB1-related disorders in the literature. This variant has not been identified in the general population by the Genome Aggregation Database (gnomAD). The available evidence is insufficient to determine the role of this variant in disease conclusively. Therefore, this variant is classified as a Variant of Uncertain Significance.

Ambry Genetics
Classification: Uncertain significance for Hereditary cancer-predisposing syndrome. Last evaluated: 2024-02-29. Review status: criteria provided, single submitter. Criteria: Ambry Variant Classification Scheme 2023. Collection method: clinical testing. Allele origin: germline.
Comment: The p.R552L variant (also known as c.1655G>T), located in coding exon 17 of the RB1 gene, results from a G to T substitution at nucleotide position 1655. The arginine at codon 552 is replaced by leucine, an amino acid with dissimilar properties. This amino acid position is conserved. In addition, the in silico prediction for this alteration is inconclusive. Since supporting evidence is limited at this time, the clinical significance of this alteration remains unclear.

Labcorp Genetics (formerly Invitae), Labcorp
Classification: Uncertain significance for Retinoblastoma. Last evaluated: 2022-03-11. Review status: criteria provided, single submitter. Criteria: Invitae Variant Classification Sherloc (09022015). Collection method: clinical testing. Allele origin: germline.
Comment: This sequence change replaces arginine, which is basic and polar, with leucine, which is neutral and non-polar, at codon 552 of the RB1 protein (p.Arg552Leu). This variant is not present in population databases (gnomAD no frequency). This variant has not been reported in the literature in individuals affected with RB1-related conditions. Algorithms developed to predict the effect of missense changes on protein structure and function (SIFT, PolyPhen-2, Align-GVGD) all suggest that this variant is likely to be tolerated. In summary, the available evidence is currently insufficient to determine the role of this variant in disease. Therefore, it has been classified as a Variant of Uncertain Significance.

NM_000321.3(RB1):c.1655G>T (p.Arg552Leu)

Gene: RB1 (RB transcriptional corepressor 1; plus strand). Cytogenetic location: 13q14.2.
Variant type: single nucleotide variant.
Coding change: c.1655G>T on transcript NM_000321.3 (MANE Select); coding-DNA position 1655, G replaced by T.
Protein change: p.Arg552Leu; replaces arginine 552 with leucine.
Molecular consequence: missense variant.
Genome position (GRCh38, 1-based): chr13:48,381,403, G>T. VCF-style: chr13-48381403-G-T. GRCh37 (hg19) VCF-style: chr13-48955539-G-T.
Other names: c.1655G>T, p.Arg552Leu (NM_001407165.1, NM_001407166.1); short protein forms R552L.
Identifiers: ClinVar variation 1777339 (VCV001777339.5), dbSNP rs146236493, ClinGen allele CA388163943.